The following is an entry in ClinVar:

ClinVar aggregate classification (germline): Pathogenic/Likely pathogenic. Review status: criteria provided, multiple submitters, no conflicts (2 of 4 stars). 3 submissions from 3 submitters: Pathogenic (2); Likely pathogenic (1). Last evaluated 2026-01-20.

Conditions:
Aicardi-Goutieres syndrome 2. Identifiers: Orphanet 51, MedGen C3489724, MONDO:0012429, OMIM 610181.

gnomAD v4.1: 2 of 1,603,016 alleles (0.00012%); highest among the groups gnomAD compares: Non-Finnish European, 0.000085%; no homozygotes.

Submissions (3):

Myriad Genetics, Inc.
Classification: Pathogenic for Aicardi-Goutieres syndrome 2. Last evaluated: 2026-01-20. Review status: criteria provided, single submitter. Criteria: Myriad Autosomal Dominant, Autosomal Recessive and X-Linked Classification Criteria (2023). Collection method: clinical testing. Allele origin: unknown.
Comment: NM_024570.3(RNASEH2B):c.468C>G(Y156*) is expected to be pathogenic in the context of Aicardi-Goutieres syndrome, RNASEH2B-related. This variant is predicted to lead to an abnormal or absent protein product due to the creation of a premature termination codon in RNASEH2B, a gene where loss-of-function variants are known to be pathogenic. Please note: this variant was assessed in the context of healthy population screening.

Labcorp Genetics (formerly Invitae), Labcorp
Classification: Pathogenic for Aicardi-Goutieres syndrome 2. Last evaluated: 2024-06-13. Review status: criteria provided, single submitter. Criteria: Invitae Variant Classification Sherloc (09022015). Collection method: clinical testing. Allele origin: germline.
Comment: This sequence change creates a premature translational stop signal (p.Tyr156*) in the RNASEH2B gene. It is expected to result in an absent or disrupted protein product. Loss-of-function variants in RNASEH2B are known to be pathogenic (PMID: 17846997). This variant is not present in population databases (gnomAD no frequency). This variant has not been reported in the literature in individuals affected with RNASEH2B-related conditions. For these reasons, this variant has been classified as Pathogenic.

Fulgent Genetics
Classification: Likely pathogenic for Aicardi-Goutieres syndrome 2. Last evaluated: 2024-05-12. Review status: criteria provided, single submitter. Criteria: ACMG Guidelines, 2015. Collection method: clinical testing. Allele origin: germline.

Literature cited by the submitters: PubMed 17846997 (cited by Labcorp Genetics (formerly Invitae), Labcorp).

NM_024570.4(RNASEH2B):c.468C>G (p.Tyr156Ter)

Gene: RNASEH2B (ribonuclease H2 subunit B; plus strand). Cytogenetic location: 13q14.3.
Variant type: single nucleotide variant.
Coding change: c.468C>G on transcript NM_024570.4 (MANE Select); coding-DNA position 468, C replaced by G.
Protein change: p.Tyr156Ter; replaces tyrosine 156 with a stop codon.
Molecular consequence: nonsense.
Genome position (GRCh38, 1-based): chr13:50,943,352, C>G. VCF-style: chr13-50943352-C-G. GRCh37 (hg19) VCF-style: chr13-51517488-C-G.
Other names: c.468C>G, p.Tyr156Ter (NM_001142279.2, NM_001411023.1); short protein forms Y156*.
Identifiers: ClinVar variation 3576270 (VCV003576270.4).